The following is an entry in ClinVar:

ClinVar aggregate classification (germline): Uncertain significance (1 of 4 stars; one submission).

Conditions:
Hereditary cancer-predisposing syndrome. Also called: Hereditary Cancer Syndrome; Neoplastic Syndromes, Hereditary; Tumor predisposition; Hereditary neoplastic syndrome. Identifiers: Orphanet 140162, MedGen C0027672, MeSH D009386, MONDO:0015356.

gnomAD v4.1: 1 of 1,613,872 alleles (0.000062%); highest among the groups gnomAD compares: Non-Finnish European, 0.000085%; no homozygotes.

Submission:

Ambry Genetics
Classification: Uncertain significance for Hereditary cancer-predisposing syndrome. Last evaluated: 2026-07-07. Review status: criteria provided, single submitter. Criteria: Ambry Variant Classification Scheme 2023. Collection method: clinical testing. Allele origin: germline.
Comment: The p.L957V variant (also known as c.2869C>G), located in coding exon 17 of the DICER1 gene, results from a C to G substitution at nucleotide position 2869. The leucine at codon 957 is replaced by valine, an amino acid with highly similar properties. This amino acid position is conserved. In addition, this alteration is predicted to be tolerated by in silico analysis. Based on the available evidence, the clinical significance of this variant remains unclear.

NM_177438.3(DICER1):c.2869C>G (p.Leu957Val)

Gene: DICER1 (dicer 1, ribonuclease III; minus strand). Cytogenetic location: 14q32.13.
Variant type: single nucleotide variant.
Coding change: c.2869C>G on transcript NM_177438.3 (MANE Select); coding-DNA position 2869, C replaced by G.
Protein change: p.Leu957Val; replaces leucine 957 with valine.
Molecular consequence: missense variant. On other transcripts: non-coding transcript variant (6).
Genome position (GRCh38, 1-based): chr14:95,106,159, G>C on the plus strand (C>G on the coding strand, the complement: DICER1 is on the minus strand). VCF-style: chr14-95106159-G-C. GRCh37 (hg19) VCF-style: chr14-95572496-G-C.
Other names: c.2869C>G, p.Leu957Val (NM_001195573.1, NM_001271282.3, NM_001291628.2 and 12 more transcripts); c.2587C>G, p.Leu863Val (NM_001395686.1); c.2464C>G, p.Leu822Val (NM_001395687.1, NM_001395688.1, NM_001395689.1 and 2 more transcripts); c.2302C>G, p.Leu768Val (NM_001395691.1); c.1186C>G, p.Leu396Val (NM_001395697.1); short protein forms L396V, L822V, L863V, L768V, L957V.
Identifiers: ClinVar variation 5035275 (VCV005035275.1).
Genomic context (GRCh38, chr14:95,106,159, plus strand): 5'-TGTACTTTGTTTTATAATATTCTGCAAAAGTTTCATACTCAGGGGAAGGAAATTTACTGA[G>C]TGGGGTAAGATCAGTGTACACATCAGCTACATAAAATCGATGAGGCTGATCAAAATTGCG-3'
Protein context (NP_803187.1, residues 947-967): VADVYTDLTP[Leu957Val]SKFPSPEYET